The following is an entry in ClinVar:

ClinVar aggregate classification (germline): Uncertain significance. Review status: criteria provided, multiple submitters, no conflicts (2 of 4 stars). 2 submissions from 2 submitters: Uncertain significance (2). Last evaluated 2023-09-23.

Allele frequency attached by ClinVar (database versions not stated): TOPMed below 0.00001; ExAC 0.00001; gnomAD 0.00001.
gnomAD v4.1: 6 of 1,613,174 alleles (0.00037%); highest among the groups gnomAD compares: Non-Finnish European, 0.00042%; no homozygotes.

Submissions (2):

Labcorp Genetics (formerly Invitae), Labcorp
Classification: Uncertain significance. Last evaluated: 2023-09-23. Review status: criteria provided, single submitter. Criteria: Invitae Variant Classification Sherloc (09022015). Collection method: clinical testing. Allele origin: germline.
Comment: In summary, the available evidence is currently insufficient to determine the role of this variant in disease. Therefore, it has been classified as a Variant of Uncertain Significance. This sequence change replaces leucine, which is neutral and non-polar, with phenylalanine, which is neutral and non-polar, at codon 1143 of the ARHGEF10 protein (p.Leu1143Phe). This variant is present in population databases (rs770414770, gnomAD 0.0009%). This variant has not been reported in the literature in individuals affected with ARHGEF10-related conditions. Advanced modeling of protein sequence and biophysical properties (such as structural, functional, and spatial information, amino acid conservation, physicochemical variation, residue mobility, and thermodynamic stability) has been performed at Invitae for this missense variant, however the output from this modeling did not meet the statistical confidence thresholds required to predict the impact of this variant on ARHGEF10 protein function.

Breakthrough Genomics
Classification: Uncertain significance. Review status: criteria provided, single submitter. Criteria: ACMG Guidelines, 2015. Collection method: not provided. Allele origin: germline. Inheritance: Autosomal recessive inheritance. Affected: yes.

NM_014629.4(ARHGEF10):c.3427C>T (p.Leu1143Phe)

Gene: ARHGEF10 (Rho guanine nucleotide exchange factor 10; plus strand). Cytogenetic location: 8p23.3.
Variant type: single nucleotide variant.
Coding change: c.3427C>T on transcript NM_014629.4 (MANE Select); coding-DNA position 3427, C replaced by T.
Protein change: p.Leu1143Phe; replaces leucine 1143 with phenylalanine.
Molecular consequence: missense variant.
Genome position (GRCh38, 1-based): chr8:1,952,734, C>T. VCF-style: chr8-1952734-C-T. GRCh37 (hg19) VCF-style: chr8-1900900-C-T.
Other names: c.3313C>T, p.Leu1105Phe (NM_001308152.2); c.3427C>T, p.Leu1143Phe (NM_001308153.3); short protein forms L1143F, L1105F, L1167F.
Identifiers: ClinVar variation 2988965 (VCV002988965.4), dbSNP rs770414770, ClinGen allele CA4601374.